The following is an entry in ClinVar:

ClinVar aggregate classification (germline): Pathogenic (1 of 4 stars; one submission).

Conditions:
Cohen syndrome (COH1). Also called: Cutis verticis gyrata, retinitis pigmentosa, and sensorineural deafness; PEPPER SYNDROME. Identifiers: Orphanet 193, MedGen C0265223, MONDO:0008999, OMIM 216550.

Submission:

Labcorp Genetics (formerly Invitae), Labcorp
Classification: Pathogenic for Cohen syndrome. Last evaluated: 2019-08-19. Review status: criteria provided, single submitter. Criteria: Invitae Variant Classification Sherloc (09022015). Collection method: clinical testing. Allele origin: germline.
Comment: This variant is an out-of-frame deletion of the genomic region encompassing exon 16 of the VPS13B gene. This is expected to create a premature translational stop signal and result in an absent or disrupted protein product. This variant has not been reported in the literature in individuals with VPS13B-related conditions. Loss-of-function variants in VPS13B are known to be pathogenic (PMID: 15141358, 16648375, 20461111). For these reasons, this variant has been classified as Pathogenic.

NC_000008.11:g.(?_99170039)_(99170163_?)del

Gene: VPS13B (vacuolar protein sorting 13 homolog B; plus strand). Cytogenetic location: 8q22.2.
Variant type: Deletion.
Identifiers: ClinVar variation 831433 (VCV000831433.1).